The following is an entry in ClinVar:

NM_023036.6(DNAI2):c.947A>T (p.Asn316Ile)

Gene: DNAI2 (dynein axonemal intermediate chain 2; plus strand). Cytogenetic location: 17q25.1.
Variant type: single nucleotide variant.
Coding change: c.947A>T on transcript NM_023036.6 (MANE Select); coding-DNA position 947, A replaced by T.
Protein change: p.Asn316Ile; replaces asparagine 316 with isoleucine.
Molecular consequence: missense variant. On other transcripts: non-coding transcript variant (1).
Genome position (GRCh38, 1-based): chr17:74,301,128, A>T. VCF-style: chr17-74301128-A-T. GRCh37 (hg19) VCF-style: chr17-72297267-A-T.
Other names: c.947A>T, p.Asn316Ile (NM_001172810.3, NM_001353167.2); short protein forms N316I.
Identifiers: ClinVar variation 934535 (VCV000934535.13), dbSNP rs774323743, ClinGen allele CA8745550.

ClinVar aggregate classification (germline): Uncertain significance (1 of 4 stars; one submission).

Conditions:
Primary ciliary dyskinesia. Also called: Ciliary dyskinesia. Identifiers: Orphanet 244, MedGen C0008780, MONDO:0016575, HP:0012265.

Allele frequency attached by ClinVar (database versions not stated): ExAC 0.00001; gnomAD exomes 0.00001; TOPMed 0.00001.
gnomAD v4.1: 3 of 1,614,050 alleles (0.00019%); highest among the groups gnomAD compares: Admixed American, 0.005%; no homozygotes.

Submission:

Labcorp Genetics (formerly Invitae), Labcorp
Classification: Uncertain significance for Primary ciliary dyskinesia. Last evaluated: 2021-09-02. Review status: criteria provided, single submitter. Criteria: Invitae Variant Classification Sherloc (09022015). Collection method: clinical testing. Allele origin: germline.
Comment: This sequence change replaces asparagine with isoleucine at codon 316 of the DNAI2 protein (p.Asn316Ile). The asparagine residue is moderately conserved and there is a large physicochemical difference between asparagine and isoleucine. This variant is present in population databases (rs774323743, ExAC 0.009%). This variant has not been reported in the literature in individuals affected with DNAI2-related conditions. Algorithms developed to predict the effect of missense changes on protein structure and function are either unavailable or do not agree on the potential impact of this missense change (SIFT: "Deleterious"; PolyPhen-2: "Benign"; Align-GVGD: "Class C0"). In summary, the available evidence is currently insufficient to determine the role of this variant in disease. Therefore, it has been classified as a Variant of Uncertain Significance.